The following is an entry in ClinVar:

ClinVar aggregate classification (germline): Uncertain significance (1 of 4 stars; one submission).

Submission:

Labcorp Genetics (formerly Invitae), Labcorp
Classification: Uncertain significance. Last evaluated: 2024-04-24. Review status: criteria provided, single submitter. Criteria: Invitae Variant Classification Sherloc (09022015). Collection method: clinical testing. Allele origin: germline.
Comment: This sequence change replaces phenylalanine, which is neutral and non-polar, with leucine, which is neutral and non-polar, at codon 324 of the TNNI3K protein (p.Phe324Leu). This variant is not present in population databases (gnomAD no frequency). This variant has not been reported in the literature in individuals affected with TNNI3K-related conditions. Advanced modeling of protein sequence and biophysical properties (such as structural, functional, and spatial information, amino acid conservation, physicochemical variation, residue mobility, and thermodynamic stability) performed at Invitae indicates that this missense variant is not expected to disrupt TNNI3K protein function with a negative predictive value of 80%. In summary, the available evidence is currently insufficient to determine the role of this variant in disease. Therefore, it has been classified as a Variant of Uncertain Significance.

NM_015978.3(TNNI3K):c.970T>C (p.Phe324Leu)

Genes: FPGT-TNNI3K (FPGT-TNNI3K readthrough; plus strand), TNNI3K (TNNI3 interacting kinase; plus strand). Cytogenetic location: 1p31.1.
Variant type: single nucleotide variant.
Coding change: c.970T>C on transcript NM_015978.3 (MANE Select); coding-DNA position 970, T replaced by C.
Protein change: p.Phe324Leu; replaces phenylalanine 324 with leucine.
Molecular consequence: missense variant.
Genome position (GRCh38, 1-based): chr1:74,353,303, T>C. VCF-style: chr1-74353303-T-C. GRCh37 (hg19) VCF-style: chr1-74818987-T-C.
Other names: c.1273T>C, p.Phe425Leu (NM_001112808.3, NM_001199327.2); short protein forms F324L, F425L.
Identifiers: ClinVar variation 3650742 (VCV003650742.2).